The following is an entry in ClinVar:

NM_004183.4(BEST1):c.847T>C (p.Phe283Leu)

Gene: BEST1 (bestrophin 1; plus strand). Cytogenetic location: 11q12.3.
Variant type: single nucleotide variant.
Coding change: c.847T>C on transcript NM_004183.4 (MANE Select); coding-DNA position 847, T replaced by C.
Protein change: p.Phe283Leu; replaces phenylalanine 283 with leucine.
Molecular consequence: missense variant. On other transcripts: non-coding transcript variant (1).
Genome position (GRCh38, 1-based): chr11:61,958,278, T>C. VCF-style: chr11-61958278-T-C. GRCh37 (hg19) VCF-style: chr11-61725750-T-C.
Other names: c.667T>C, p.Phe223Leu (NM_001139443.3, NM_001300786.2, NM_001300787.2); c.529T>C, p.Phe177Leu (NM_001363591.3); c.847T>C, p.Phe283Leu (NM_001363592.2); c.-329T>C (NM_001363593.3); short protein forms F177L, F283L, F223L.
Identifiers: ClinVar variation 1428448 (VCV001428448.8), dbSNP rs1941618250, ClinGen allele CA380840259.

ClinVar aggregate classification (germline): Uncertain significance (1 of 4 stars; one submission).

Allele frequency attached by ClinVar (database versions not stated): gnomAD 0.00001.
gnomAD v4.1: 1 of 1,614,112 alleles (0.000062%); highest among the groups gnomAD compares: Admixed American, 0.0017%; no homozygotes.

Submission:

Labcorp Genetics (formerly Invitae), Labcorp
Classification: Uncertain significance. Last evaluated: 2024-10-25. Review status: criteria provided, single submitter. Criteria: Invitae Variant Classification Sherloc (09022015). Collection method: clinical testing. Allele origin: germline.
Comment: This sequence change replaces phenylalanine, which is neutral and non-polar, with leucine, which is neutral and non-polar, at codon 283 of the BEST1 protein (p.Phe283Leu). This variant is not present in population databases (gnomAD no frequency). This variant has not been reported in the literature in individuals affected with BEST1-related conditions. ClinVar contains an entry for this variant (Variation ID: 1428448). Invitae Evidence Modeling of protein sequence and biophysical properties (such as structural, functional, and spatial information, amino acid conservation, physicochemical variation, residue mobility, and thermodynamic stability) indicates that this missense variant is expected to disrupt BEST1 protein function with a positive predictive value of 95%. In summary, the available evidence is currently insufficient to determine the role of this variant in disease. Therefore, it has been classified as a Variant of Uncertain Significance.